The following is an entry in ClinVar:

ClinVar aggregate classification (germline): Pathogenic (1 of 4 stars; one submission).

Conditions:
Neurofibromatosis, type 1 (NF1). Also called: NEUROFIBROMATOSIS, TYPE I, SOMATIC; Peripheral type neurofibromatosis; VON RECKLINGHAUSEN DISEASE; Neurofibromatosis, type I. Identifiers: Orphanet 636, MedGen C0027831, MONDO:0018975, OMIM 162200. Disease mechanism: loss of function.

Submission:

Labcorp Genetics (formerly Invitae), Labcorp
Classification: Pathogenic for Neurofibromatosis, type 1. Last evaluated: 2022-11-12. Review status: criteria provided, single submitter. Criteria: Invitae Variant Classification Sherloc (09022015). Collection method: clinical testing. Allele origin: germline.
Comment: This sequence change creates a premature translational stop signal (p.Trp1976Leufs*12) in the NF1 gene. It is expected to result in an absent or disrupted protein product. Loss-of-function variants in NF1 are known to be pathogenic (PMID: 10712197, 23913538). This variant is not present in population databases (gnomAD no frequency). This variant has not been reported in the literature in individuals affected with NF1-related conditions. For these reasons, this variant has been classified as Pathogenic.

Literature cited by the submitters: PubMed 10712197; PubMed 23913538.

NM_001042492.3(NF1):c.5989dup (p.Trp1997fs)

Gene: NF1 (neurofibromin 1; plus strand). Cytogenetic location: 17q11.2.
Variant type: Duplication.
Coding change: c.5989dup on transcript NM_001042492.3 (MANE Select); coding-DNA position 5989, one base duplicated (T; older notation c.5989dupT).
Protein change: p.Trp1997fs; shifts the reading frame from tryptophan 1997.
Molecular consequence: frameshift variant.
Genome position (GRCh38, 1-based): chr17:31,335,014, T duplicated. VCF-style (leftmost placement, unchanged base first): chr17-31335013-A-AT. GRCh37 (hg19) VCF-style: chr17-29662031-A-AT.
Other names: c.5926dup, p.Trp1976Leufs (NM_000267.4); short protein forms W1976fs, W1997fs.
Identifiers: ClinVar variation 2813756 (VCV002813756.3), dbSNP rs2508737652, ClinGen allele CA2739267486.
Genomic context (GRCh38, chr17:31,335,013, plus strand): 5'-CAAGCTGATAACAATGACCATCAATGAAAAACAGATGTACCCATCTATTCAAGCAAAAAT[A>AT]TGGGGAAGCCTTGGGCAGGTATTGAGTTTGCTCAAATATTTATCTAGTATCTCCTTTGTG-3'